The following is an entry in ClinVar:

NM_182925.5(FLT4):c.952C>T (p.Arg318Ter)

Gene: FLT4 (fms related receptor tyrosine kinase 4; minus strand). Cytogenetic location: 5q35.3.
Variant type: single nucleotide variant.
Coding change: c.952C>T on transcript NM_182925.5 (MANE Select); coding-DNA position 952, C replaced by T.
Protein change: p.Arg318Ter; replaces arginine 318 with a stop codon.
Molecular consequence: nonsense.
Genome position (GRCh38, 1-based): chr5:180,629,292, G>A on the plus strand (C>T on the coding strand, the complement: FLT4 is on the minus strand). VCF-style: chr5-180629292-G-A. GRCh37 (hg19) VCF-style: chr5-180056292-G-A.
Other names: c.952C>T, p.Arg318Ter (NM_001354989.2, NM_002020.5); short protein forms R318*.
Identifiers: ClinVar variation 1285398 (VCV001285398.2), dbSNP rs146006663, ClinGen allele CA362505461.

ClinVar aggregate classification (germline): Pathogenic/Likely pathogenic. Review status: criteria provided, multiple submitters, no conflicts (2 of 4 stars). 2 submissions from 2 submitters: Pathogenic (1); Likely pathogenic (1). Last evaluated 2023-07-17.

Conditions:
Congenital heart defects, multiple types, 7. Identifiers: MedGen C5394062, MONDO:0032913, OMIM 618780.

Submissions (2):

Victorian Clinical Genetics Services, Murdoch Childrens Research Institute
Classification: Pathogenic for Congenital heart defects, multiple types, 7. Last evaluated: 2023-07-17. Review status: criteria provided, single submitter. Criteria: ACMG Guidelines, 2015. Collection method: clinical testing. Allele origin: germline. Inheritance: Autosomal dominant inheritance. Affected: yes.
Comment: Based on the classification scheme VCGS_Germline_v1.3.4, this variant is classified as Pathogenic. Following criteria are met: 0103 - Dominant negative and loss of function are known mechanisms of disease in this gene and are associated with lymphatic malformation 1 (MIM#153100) and congenital heart defects, multiple types, 7 (MIM#618780), respectively (GeneReviews, PMID: 30232381). (I) 0107 - This gene is associated with autosomal dominant disease. (I) 0112 - The condition associated with this gene has incomplete penetrance. It has been reported for both congenital heart defects and lymphatic malformation phenotypes (PMID: 30232381, 30582441, GeneReviews). (I) 0115 - Variants in this gene are known to have variable expressivity. Both inter- and intrafamilial variability have been reported for lymphoedema (GeneReviews). (I) 0201 - Variant is predicted to cause nonsense-mediated decay (NMD) and loss of protein (premature termination codon is located at least 54 nucleotides upstream of the final exon-exon junction). (SP) 0251 - This variant is heterozygous. (I) 0301 - Variant is absent from gnomAD (both v2 and v3). (SP) 0701 - Other NMD-predicted variants comparable to the one identified in this case have very strong previous evidence for pathogenicity. These variants have been reported multiple times as pathogenic, and observed in individuals with tetralogy of Fallot and other congenital heart defects (ClinVar, PMID: 28991257, PMID: 30582441). (SP) 0803 - This variant has limited previous evidence of pathogenicity in unrelated individuals. This variant has been described twice as likely pathogenic (ClinVar, LOVD). (SP) 0905 - No published segregation evidence has been identified for this variant. (I) 1007 - No published functional evidence has been identified for this variant. (I) 1208 - Inheritance information for this variant is not currently available in this individual. (I) Legend: (SP) - Supporting pathogenic, (I) - Information, (SB) - Supporting benign

Institute of Human Genetics, University of Leipzig Medical Center
Classification: Likely pathogenic for Congenital heart defects, multiple types, 7. Last evaluated: 2020-10-06. Review status: criteria provided, single submitter. Criteria: ACMG Guidelines, 2015. Collection method: clinical testing. Allele origin: unknown. Affected: yes.

Literature cited by the submitters: PubMed 28991257 (cited by Victorian Clinical Genetics Services, Murdoch Childrens Research Institute); PubMed 30232381 (cited by Victorian Clinical Genetics Services, Murdoch Childrens Research Institute); PubMed 30582441 (cited by Victorian Clinical Genetics Services, Murdoch Childrens Research Institute).